The following is an entry in ClinVar:

ClinVar aggregate classification (germline): Uncertain significance. Review status: criteria provided, multiple submitters, no conflicts (2 of 4 stars). 4 submissions from 4 submitters: Uncertain significance (4). Last evaluated 2024-10-20.

Conditions:
Autosomal dominant nonsyndromic hearing loss 2A. Also called: Deafness, autosomal dominant 2A; DFNA2 Nonsyndromic Hearing Loss; Autosomal dominant nonsyndromic deafness 2A. Identifiers: Orphanet 90635, MedGen C2677637, MONDO:0010817, OMIM 600101.
KCNQ4-related disorder. Also called: KCNQ4-related condition.

Submissions (4):

PreventionGenetics, part of Exact Sciences
Classification: Uncertain significance for KCNQ4-related condition. Last evaluated: 2024-10-20. Review status: criteria provided, single submitter. Criteria: ACMG Guidelines, 2015. Collection method: clinical testing. Allele origin: germline.
Comment: The KCNQ4 c.245_247dupGCC variant is predicted to result in an in-frame duplication (p.Arg82dup). To our knowledge, this variant has not been reported in the literature. This variant is reported in 0.0074% of alleles in individuals of African descent in gnomAD. At this time, the clinical significance of this variant is uncertain due to the absence of conclusive functional and genetic evidence.

Labcorp Genetics (formerly Invitae), Labcorp
Classification: Uncertain significance. Last evaluated: 2024-04-05. Review status: criteria provided, single submitter. Criteria: Invitae Variant Classification Sherloc (09022015). Collection method: clinical testing. Allele origin: germline.
Comment: This variant, c.245_247dup, results in the insertion of 1 amino acid(s) of the KCNQ4 protein (p.Arg82dup), but otherwise preserves the integrity of the reading frame. This variant is present in population databases (rs769859021, gnomAD 0.007%). This variant has not been reported in the literature in individuals affected with KCNQ4-related conditions. ClinVar contains an entry for this variant (Variation ID: 1437818). Experimental studies and prediction algorithms are not available or were not evaluated, and the functional significance of this variant is currently unknown. In summary, the available evidence is currently insufficient to determine the role of this variant in disease. Therefore, it has been classified as a Variant of Uncertain Significance.

GeneDx
Classification: Uncertain significance. Last evaluated: 2023-12-15. Review status: criteria provided, single submitter. Criteria: GeneDx Variant Classification Process June 2021. Collection method: clinical testing. Allele origin: germline. Affected: yes.
Comment: In-frame insertion of one amino acid in a non-repeat region; Has not been previously published as pathogenic or benign to our knowledge

Genome-Nilou Lab
Classification: Uncertain significance for Autosomal dominant nonsyndromic hearing loss 2A. Last evaluated: 2023-04-11. Review status: criteria provided, single submitter. Criteria: ACMG Guidelines, 2015. Collection method: clinical testing. Allele origin: germline. Affected: no.

NM_004700.4(KCNQ4):c.242GCC[3] (p.Arg82dup)

Gene: KCNQ4 (potassium voltage-gated channel subfamily Q member 4; plus strand). Cytogenetic location: 1p34.2.
Variant type: Microsatellite.
Coding change: c.242GCC[3] on transcript NM_004700.4 (MANE Select); three copies in a row of the 3-base unit GCC starting at c.242; the reference has two copies in a row; one copy, 3 bases duplicated; also written c.245_247dup.
Protein change: p.Arg82dup; duplicates arginine 82.
Molecular consequence: inframe insertion.
Genome position (GRCh38, 1-based): chr1:40,784,338-40,784,340, GCC duplicated; duplicating any 3 consecutive bases within chr1:40,784,333-40,784,340 gives the same sequence; the position shown is the placement nearest the transcript's 3' end. VCF-style (leftmost placement, unchanged base first): chr1-40784332-A-ACCG. GRCh37 (hg19) VCF-style: chr1-41250004-A-ACCG.
Other names: c.245_247dup (NM_004700.3); c.242GCC[3], p.Arg82dup (NM_172163.3); c.245_247dupGCC (NM_004700.3).
Identifiers: ClinVar variation 1437818 (VCV001437818.13), dbSNP rs769859021, ClinGen allele CA794466.